The following is an entry in ClinVar:

ClinVar aggregate classification (germline): Uncertain significance (1 of 4 stars; one submission).

Conditions:
Catecholaminergic polymorphic ventricular tachycardia 1. Also called: VENTRICULAR TACHYCARDIA, CATECHOLAMINERGIC POLYMORPHIC, 1, WITH OR WITHOUT ATRIAL DYSFUNCTION AND/OR DILATED CARDIOMYOPATHY; VENTRICULAR TACHYCARDIA, STRESS-INDUCED POLYMORPHIC 1; RYR2-Related Catecholaminergic Polymorphic Ventricular Tachycardia. Identifiers: Orphanet 3286, MedGen C1631597, MONDO:0011484, OMIM 604772.

Submission:

Labcorp Genetics (formerly Invitae), Labcorp
Classification: Uncertain significance for Catecholaminergic polymorphic ventricular tachycardia 1. Last evaluated: 2024-10-15. Review status: criteria provided, single submitter. Criteria: Invitae Variant Classification Sherloc (09022015). Collection method: clinical testing. Allele origin: germline.
Comment: This sequence change replaces methionine, which is neutral and non-polar, with valine, which is neutral and non-polar, at codon 2192 of the RYR2 protein (p.Met2192Val). This variant is not present in population databases (gnomAD no frequency). This variant has not been reported in the literature in individuals affected with RYR2-related conditions. ClinVar contains an entry for this variant (Variation ID: 2133975). Invitae Evidence Modeling of protein sequence and biophysical properties (such as structural, functional, and spatial information, amino acid conservation, physicochemical variation, residue mobility, and thermodynamic stability) has been performed for this missense variant. However, the output from this modeling did not meet the statistical confidence thresholds required to predict the impact of this variant on RYR2 protein function. In summary, the available evidence is currently insufficient to determine the role of this variant in disease. Therefore, it has been classified as a Variant of Uncertain Significance.

NM_001035.3(RYR2):c.6574A>G (p.Met2192Val)

Gene: RYR2 (ryanodine receptor 2; plus strand). Cytogenetic location: 1q43.
Variant type: single nucleotide variant.
Coding change: c.6574A>G on transcript NM_001035.3 (MANE Select); coding-DNA position 6574, A replaced by G.
Protein change: p.Met2192Val; replaces methionine 2192 with valine.
Molecular consequence: missense variant.
Genome position (GRCh38, 1-based): chr1:237,633,596, A>G. VCF-style: chr1-237633596-A-G. GRCh37 (hg19) VCF-style: chr1-237796896-A-G.
Other names: short protein forms M2192V.
Identifiers: ClinVar variation 2133975 (VCV002133975.4), dbSNP rs2546926560, ClinGen allele CA345393944.
Genomic context (GRCh38, chr1:237,633,596, plus strand): 5'-GGTCGTTTGCTTTCAGCAGCTAATGACATGCTTTATCTGTAGGAAATCACCTTTCCCAAG[A>G]TGGTGGCCAACTGTTGCCGTTTTCTCTGTTACTTCTGTCGTATAAGTAGGCAGAATCAAA-3'
Protein context (NP_001026.2, residues 2182-2202): GESKEITFPK[Met2192Val]VANCCRFLCY